The following is an entry in ClinVar:

ClinVar aggregate classification (germline): Likely benign (1 of 4 stars; one submission).

Submission:

CeGaT Center for Human Genetics Tuebingen
Classification: Likely benign. Last evaluated: 2025-11-01. Review status: criteria provided, single submitter. Criteria: CeGaT Center For Human Genetics Tuebingen Variant Classification Criteria Version 2. Collection method: clinical testing. Allele origin: germline. Affected: yes. Observed: 1 variant allele.
Comment: TCAF1: BP4, BP7

NM_014719.3(TCAF1):c.2286C>T (p.Asn762=)

Gene: TCAF1 (TRPM8 channel associated factor 1; minus strand). Cytogenetic location: 7q35.
Variant type: single nucleotide variant.
Coding change: c.2286C>T on transcript NM_014719.3 (MANE Select); coding-DNA position 2286, C replaced by T.
Protein change: p.Asn762=; no amino-acid change (asparagine 762 retained).
Molecular consequence: synonymous variant.
Genome position (GRCh38, 1-based): chr7:143,859,043, G>A on the plus strand (C>T on the coding strand, the complement: TCAF1 is on the minus strand). VCF-style: chr7-143859043-G-A. GRCh37 (hg19) VCF-style: chr7-143556136-G-A.
Other names: c.2286C>T, p.Asn762= (NM_001206938.2); c.1014C>T, p.Asn338= (NM_001206941.2).
Identifiers: ClinVar variation 4533634 (VCV004533634.6).